The following is an entry in ClinVar:

ClinVar aggregate classification (germline): Uncertain significance. Review status: criteria provided, multiple submitters, no conflicts (2 of 4 stars). 2 submissions from 2 submitters: Uncertain significance (2). Last evaluated 2023-12-07.

Conditions:
Familial cancer of breast. Also called: Hereditary breast cancer; hereditary breast carcinoma; BREAST CANCER, FAMILIAL. Identifiers: Orphanet 227535, MedGen C0346153, MONDO:0016419, OMIM 114480. Disease mechanism: loss of function.

Submissions (2):

GeneDx
Classification: Uncertain significance. Last evaluated: 2023-12-07. Review status: criteria provided, single submitter. Criteria: GeneDx Variant Classification Process June 2021. Collection method: clinical testing. Allele origin: germline. Affected: yes.
Comment: Not observed at significant frequency in large population cohorts (gnomAD); In silico analysis supports that this missense variant has a deleterious effect on protein structure/function; Has not been previously published as pathogenic or benign to our knowledge; This variant is associated with the following publications: (PMID: 18480049)

Labcorp Genetics (formerly Invitae), Labcorp
Classification: Uncertain significance for Familial cancer of breast. Last evaluated: 2020-03-03. Review status: criteria provided, single submitter. Criteria: Invitae Variant Classification Sherloc (09022015). Collection method: clinical testing. Allele origin: germline.
Comment: In summary, the available evidence is currently insufficient to determine the role of this variant in disease. Therefore, it has been classified as a Variant of Uncertain Significance. Algorithms developed to predict the effect of missense changes on protein structure and function (SIFT, PolyPhen-2, Align-GVGD) all suggest that this variant is likely to be disruptive, but these predictions have not been confirmed by published functional studies and their clinical significance is uncertain. This variant has not been reported in the literature in individuals with BARD1-related conditions. This variant is not present in population databases (ExAC no frequency). This sequence change replaces arginine with threonine at codon 99 of the BARD1 protein (p.Arg99Thr). The arginine residue is highly conserved and there is a moderate physicochemical difference between arginine and threonine.

NM_000465.4(BARD1):c.296G>C (p.Arg99Thr)

Gene: BARD1 (BRCA1 associated RING domain 1; minus strand). Cytogenetic location: 2q35.
Variant type: single nucleotide variant.
Coding change: c.296G>C on transcript NM_000465.4 (MANE Select); coding-DNA position 296, G replaced by C.
Protein change: p.Arg99Thr; replaces arginine 99 with threonine.
Molecular consequence: missense variant. On other transcripts: non-coding transcript variant (1), intron variant (2).
Genome position (GRCh38, 1-based): chr2:214,792,365, C>G on the plus strand (G>C on the coding strand, the complement: BARD1 is on the minus strand). VCF-style: chr2-214792365-C-G. GRCh37 (hg19) VCF-style: chr2-215657089-C-G.
Other names: c.296G>C (NM_000465.2); c.239G>C, p.Arg80Thr (NM_001282543.2); c.296G>C, p.Arg99Thr (NM_001282549.2); c.158+17047G>C (NM_001282548.2); c.215+4696G>C (NM_001282545.2); short protein forms R80T, R99T.
Identifiers: ClinVar variation 1005488 (VCV001005488.10), dbSNP rs876659369, ClinGen allele CA350461014.